The following is an entry in ClinVar:

NM_006914.4(RORB):c.1011C>G (p.Asp337Glu)

Gene: RORB (RAR related orphan receptor B; plus strand). Cytogenetic location: 9q21.13.
Variant type: single nucleotide variant.
Coding change: c.1011C>G on transcript NM_006914.4 (MANE Select); coding-DNA position 1011, C replaced by G.
Protein change: p.Asp337Glu; replaces aspartic acid 337 with glutamic acid.
Molecular consequence: missense variant.
Genome position (GRCh38, 1-based): chr9:74,667,801, C>G. VCF-style: chr9-74667801-C-G. GRCh37 (hg19) VCF-style: chr9-77282717-C-G.
Other names: c.1044C>G, p.Asp348Glu (NM_001365023.1); short protein forms D348E, D337E.
Identifiers: ClinVar variation 4156162 (VCV004156162.2).

ClinVar aggregate classification (germline): Uncertain significance. Review status: criteria provided, multiple submitters, no conflicts (2 of 4 stars). 2 submissions from 2 submitters: Uncertain significance (2). Last evaluated 2025-08-27.

Conditions:
Inborn genetic diseases. Identifiers: MedGen C0950123, MeSH D030342.

gnomAD v4.1: 10 of 1,606,340 alleles (0.00062%); highest among the groups gnomAD compares: Non-Finnish European, 0.00085%; no homozygotes.

Submissions (2):

Ambry Genetics
Classification: Uncertain significance for Inborn genetic diseases. Last evaluated: 2025-08-27. Review status: criteria provided, single submitter. Criteria: Ambry Variant Classification Scheme 2023. Collection method: clinical testing. Allele origin: germline.

Labcorp Genetics (formerly Invitae), Labcorp
Classification: Uncertain significance. Last evaluated: 2025-02-16. Review status: criteria provided, single submitter. Criteria: Invitae Variant Classification Sherloc (09022015). Collection method: clinical testing. Allele origin: germline.
Comment: This sequence change replaces aspartic acid, which is acidic and polar, with glutamic acid, which is acidic and polar, at codon 337 of the RORB protein (p.Asp337Glu). This variant is not present in population databases (gnomAD no frequency). This variant has not been reported in the literature in individuals affected with RORB-related conditions. An algorithm developed to predict the effect of missense changes on protein structure and function (PolyPhen-2) suggests that this variant is likely to be tolerated. In summary, the available evidence is currently insufficient to determine the role of this variant in disease. Therefore, it has been classified as a Variant of Uncertain Significance.